The following is an entry in ClinVar:

NM_032043.3(BRIP1):c.2160G>A (p.Val720=)

Gene: BRIP1 (BRCA1 interacting DNA helicase 1; minus strand). Cytogenetic location: 17q23.2.
Variant type: single nucleotide variant.
Coding change: c.2160G>A on transcript NM_032043.3 (MANE Select); coding-DNA position 2160, G replaced by A.
Protein change: p.Val720=; no amino-acid change (valine 720 retained).
Molecular consequence: synonymous variant.
Genome position (GRCh38, 1-based): chr17:61,744,529, C>T on the plus strand (G>A on the coding strand, the complement: BRIP1 is on the minus strand). VCF-style: chr17-61744529-C-T. GRCh37 (hg19) VCF-style: chr17-59821890-C-T.
Identifiers: ClinVar variation 752872 (VCV000752872.11), dbSNP rs1603304594, ClinGen allele CA501151347.
Genomic context (GRCh38, chr17:61,744,529, plus strand): 5'-CTGCAGTAATTCATCAAAATTTGTTTTTTCTCCTCCCTGTGGTTCTACAATGACTGTCTT[C>T]ACCAACTCCAGATTATGCCATAAACCAGTAGAGAGCCAACGTTCTTTTAATTTTTCTAAT-3'
Protein context (NP_114432.2, residues 710-730): STGLWHNLEL[Val720=]KTVIVEPQGG

ClinVar aggregate classification (germline): Benign/Likely benign. Review status: criteria provided, multiple submitters, no conflicts (2 of 4 stars). 3 submissions from 3 submitters: Benign (1); Likely benign (2). Last evaluated 2025-04-18.

Conditions:
Hereditary cancer-predisposing syndrome. Also called: Tumor predisposition; Hereditary Cancer Syndrome; Neoplastic Syndromes, Hereditary; Hereditary neoplastic syndrome. Identifiers: Orphanet 140162, MedGen C0027672, MeSH D009386, MONDO:0015356.
Familial cancer of breast. Also called: BREAST CANCER, FAMILIAL; hereditary breast carcinoma; Hereditary breast cancer. Identifiers: Orphanet 227535, MedGen C0346153, MONDO:0016419, OMIM 114480. Disease mechanism: loss of function.
Fanconi anemia complementation group J. Also called: BRIP1-Related Fanconi Anemia. Identifiers: Orphanet 84, MedGen C1836860, MONDO:0012187, OMIM 609054.

Allele frequency attached by ClinVar (database versions not stated): TOPMed below 0.00001.

Submissions (3):

Labcorp Genetics (formerly Invitae), Labcorp
Classification: Likely benign for Familial cancer of breast; Fanconi anemia complementation group J. Last evaluated: 2025-04-18. Review status: criteria provided, single submitter. Criteria: Invitae Variant Classification Sherloc (09022015). Collection method: clinical testing. Allele origin: germline.

Myriad Genetics, Inc.
Classification: Benign for Familial cancer of breast. Last evaluated: 2024-09-03. Review status: criteria provided, single submitter. Criteria: Myriad Autosomal Dominant, Autosomal Recessive and X-Linked Classification Criteria (2023). Collection method: clinical testing. Allele origin: unknown.
Comment: This variant is considered benign. This variant is a silent/synonymous amino acid change and it is not expected to impact splicing.

Ambry Genetics
Classification: Likely benign for Hereditary cancer-predisposing syndrome. Last evaluated: 2024-03-10. Review status: criteria provided, single submitter. Criteria: Ambry Variant Classification Scheme 2023. Collection method: clinical testing. Allele origin: germline.